The following is an entry in ClinVar:

NM_004380.3(CREBBP):c.5934C>T (p.Asn1978=)

Gene: CREBBP (CREB binding lysine acetyltransferase; minus strand). Cytogenetic location: 16p13.3.
Variant type: single nucleotide variant.
Coding change: c.5934C>T on transcript NM_004380.3 (MANE Select); coding-DNA position 5934, C replaced by T.
Protein change: p.Asn1978=; no amino-acid change (asparagine 1978 retained).
Molecular consequence: synonymous variant.
Genome position (GRCh38, 1-based): chr16:3,729,113, G>A on the plus strand (C>T on the coding strand, the complement: CREBBP is on the minus strand). VCF-style: chr16-3729113-G-A. GRCh37 (hg19) VCF-style: chr16-3779114-G-A.
Other names: c.5820C>T, p.Asn1940= (NM_001079846.1).
Identifiers: ClinVar variation 281913 (VCV000281913.47), dbSNP rs754282387, ClinGen allele CA7869221.
Genomic context (GRCh38, chr16:3,729,113, plus strand): 5'-CACGGGGGCCATCTGGCTCCCCGGGGTCCCCATGCCCGTGCGTCCTGGGGGCATGCTGTT[G>A]TTGATGTTCACCCGGTACAGGTGCTGCTGCTGCTGGGCCTCACGCTCGATCTGCCGAGCC-3'
Protein context (NP_004371.2, residues 1968-1988): QQQHLYRVNI[Asn1978=]NSMPPGRTGM

ClinVar aggregate classification (germline): Benign/Likely benign. Review status: criteria provided, multiple submitters, no conflicts (2 of 4 stars). 7 submissions from 7 submitters: Benign (1); Likely benign (5). 1 of the submissions does not count toward it. Last evaluated 2026-08-01.

Conditions:
CREBBP-related disorder. Also called: CREBBP-related disorders; CREBBP-related condition.
Rubinstein-Taybi syndrome (RSTS). Identifiers: Orphanet 783, MedGen C0035934, MONDO:0019188.
Inborn genetic diseases. Identifiers: MedGen C0950123, MeSH D030342.

Allele frequency attached by ClinVar (database versions not stated): gnomAD 0.00022 and 0.00023; TOPMed 0.00025.
gnomAD v4.1: 324 of 1,581,104 alleles (0.02%); highest among the groups gnomAD compares: Non-Finnish European, 0.0039%; 3 homozygotes.

Submissions (7):

CeGaT Center for Human Genetics Tuebingen
Classification: Likely benign. Last evaluated: 2026-08-01. Review status: criteria provided, single submitter. Criteria: CeGaT Center For Human Genetics Tuebingen Variant Classification Criteria Version 2. Collection method: clinical testing. Allele origin: germline. Affected: yes. Observed: 2 variant alleles.
Comment: CREBBP: BP4, BP7

Labcorp Genetics (formerly Invitae), Labcorp
Classification: Benign for Rubinstein-Taybi syndrome. Last evaluated: 2025-12-01. Review status: criteria provided, single submitter. Criteria: Invitae Variant Classification Sherloc (09022015). Collection method: clinical testing. Allele origin: germline.

Blueprint Genetics
Classification: Likely benign. Last evaluated: 2024-11-26. Review status: criteria provided, single submitter. Criteria: ACMG Guidelines, 2015. Collection method: clinical testing. Allele origin: germline.

Genetic Services Laboratory, University of Chicago
Classification: Likely benign. Last evaluated: 2016-11-04. Review status: criteria provided, single submitter. Criteria: ACMG Guidelines, 2015. Collection method: clinical testing. Allele origin: germline. Affected: no.

Ambry Genetics
Classification: Likely benign for Inborn genetic diseases. Last evaluated: 2016-07-24. Review status: criteria provided, single submitter. Criteria: Ambry Variant Classification Scheme 2023. Collection method: clinical testing. Allele origin: germline.

Eurofins Ntd Llc (ga)
Classification: Likely benign. Last evaluated: 2015-07-17. Review status: criteria provided, single submitter. Criteria: EGL Classification Definitions 2015. Collection method: clinical testing. Allele origin: germline. Observed: 1 variant allele, 1 heterozygote.

PreventionGenetics, part of Exact Sciences
Classification: Likely benign for CREBBP-related condition. Last evaluated: 2021-07-27. Review status: no assertion criteria provided. Collection method: clinical testing. Allele origin: germline. Not counted in ClinVar's aggregate classification.
Comment: This variant is classified as likely benign based on ACMG/AMP sequence variant interpretation guidelines (Richards et al. 2015 PMID: 25741868, with internal and published modifications).